The following is an entry in ClinVar:

ClinVar aggregate classification (germline): Likely benign (1 of 4 stars; one submission).

Allele frequency attached by ClinVar (database versions not stated): TOPMed below 0.00001.
gnomAD v4.1: 2 of 1,613,566 alleles (0.00012%); highest among the groups gnomAD compares: Non-Finnish European, 0.00017%; no homozygotes.

Submission:

CeGaT Center for Human Genetics Tuebingen
Classification: Likely benign. Last evaluated: 2023-05-01. Review status: criteria provided, single submitter. Criteria: CeGaT Center For Human Genetics Tuebingen Variant Classification Criteria Version 2. Collection method: clinical testing. Allele origin: germline. Affected: yes. Observed: 1 variant allele.
Comment: CACNA1H: BP4, BP7

NM_021098.3(CACNA1H):c.4605C>T (p.Phe1535=)

Gene: CACNA1H (calcium voltage-gated channel subunit alpha1 H; plus strand). Cytogenetic location: 16p13.3.
Variant type: single nucleotide variant.
Coding change: c.4605C>T on transcript NM_021098.3 (MANE Select); coding-DNA position 4605, C replaced by T.
Protein change: p.Phe1535=; no amino-acid change (phenylalanine 1535 retained).
Molecular consequence: synonymous variant.
Genome position (GRCh38, 1-based): chr16:1,211,984, C>T. VCF-style: chr16-1211984-C-T. GRCh37 (hg19) VCF-style: chr16-1261984-C-T.
Other names: c.4605C>T, p.Phe1535= (NM_001005407.2).
Identifiers: ClinVar variation 2645882 (VCV002645882.24), dbSNP rs1182140794, ClinGen allele CA493021383.